The following is an entry in ClinVar:

NM_018417.6(ADCY10):c.2070G>A (p.Arg690=)

Gene: ADCY10 (adenylate cyclase 10; minus strand). Cytogenetic location: 1q24.2.
Variant type: single nucleotide variant.
Coding change: c.2070G>A on transcript NM_018417.6 (MANE Select); coding-DNA position 2070, G replaced by A.
Protein change: p.Arg690=; no amino-acid change (arginine 690 retained).
Molecular consequence: synonymous variant.
Genome position (GRCh38, 1-based): chr1:167,856,266, C>T on the plus strand (G>A on the coding strand, the complement: ADCY10 is on the minus strand). VCF-style: chr1-167856266-C-T. GRCh37 (hg19) VCF-style: chr1-167825504-C-T.
Other names: c.1611G>A, p.Arg537= (NM_001167749.3); c.1794G>A, p.Arg598= (NM_001297772.2).
Identifiers: ClinVar variation 755122 (VCV000755122.8), dbSNP rs141604385, ClinGen allele CA31410652.

ClinVar aggregate classification (germline): Likely benign. Review status: criteria provided, multiple submitters, no conflicts (2 of 4 stars). 2 submissions from 2 submitters: Likely benign (2). Last evaluated 2025-11-19.

Conditions:
ADCY10-related disorder. Also called: ADCY10-related condition.

Allele frequency attached by ClinVar (database versions not stated): TOPMed below 0.00001; gnomAD exomes 0.00001; ESP Exome Variant Server 0.00015.
gnomAD v4.1: 7 of 1,613,844 alleles (0.00043%); highest among the groups gnomAD compares: Non-Finnish European, 0.00059%; no homozygotes.

Submissions (2):

PreventionGenetics, part of Exact Sciences
Classification: Likely benign for ADCY10-related condition. Last evaluated: 2025-11-19. Review status: criteria provided, single submitter. Criteria: ACMG Guidelines, 2015. Collection method: clinical testing. Allele origin: germline.
Comment: This variant is classified as likely benign based on ACMG/AMP sequence variant interpretation guidelines (Richards et al. 2015 PMID: 25741868, with internal and published modifications).

Labcorp Genetics (formerly Invitae), Labcorp
Classification: Likely benign. Last evaluated: 2021-07-25. Review status: criteria provided, single submitter. Criteria: Invitae Variant Classification Sherloc (09022015). Collection method: clinical testing. Allele origin: germline.